The following is an entry in ClinVar:

ClinVar aggregate classification (germline): Pathogenic/Likely pathogenic. Review status: criteria provided, multiple submitters, no conflicts (2 of 4 stars). 2 submissions from 2 submitters: Pathogenic (1); Likely pathogenic (1). Last evaluated 2023-12-19.

Conditions:
CSF2RA-related disorder. Also called: CSF2RA-related condition.
Surfactant metabolism dysfunction, pulmonary, 4 (SMDP4). Also called: CSF2RA DEFICIENCY; PAP DUE TO CSF2RA DEFICIENCY; PULMONARY ALVEOLAR PROTEINOSIS, CONGENITAL, 4. Identifiers: Orphanet 264675, MedGen C2677877, MONDO:0010424, OMIM 300770.

Allele frequency attached by ClinVar (database versions not stated): gnomAD exomes below 0.00001 and 0.00001; ExAC 0.00001; gnomAD 0.00001; TOPMed 0.00001; ESP Exome Variant Server 0.00015.

Submissions (2):

Labcorp Genetics (formerly Invitae), Labcorp
Classification: Pathogenic for Surfactant metabolism dysfunction, pulmonary, 4. Last evaluated: 2023-12-19. Review status: criteria provided, single submitter. Criteria: Invitae Variant Classification Sherloc (09022015). Collection method: clinical testing. Allele origin: germline.
Comment: This sequence change creates a premature translational stop signal (p.Gln263*) in the CSF2RA gene. It is expected to result in an absent or disrupted protein product. Loss-of-function variants in CSF2RA are known to be pathogenic (PMID: 20622029, 25425184). This variant is present in population databases (no rsID available, gnomAD 0.002%). This variant has not been reported in the literature in individuals affected with CSF2RA-related conditions. ClinVar contains an entry for this variant (Variation ID: 1362907). For these reasons, this variant has been classified as Pathogenic.

PreventionGenetics, part of Exact Sciences
Classification: Likely pathogenic for CSF2RA-related condition. Last evaluated: 2023-04-19. Review status: criteria provided, single submitter. Criteria: ACMG Guidelines, 2015. Collection method: clinical testing. Allele origin: germline.
Comment: The CSF2RA c.787C>T variant is predicted to result in premature protein termination (p.Gln263*). To our knowledge, this variant has not been reported in the literature. This variant is reported in 0.0018% of alleles in individuals of European (Non-Finnish) descent in gnomAD and is interpreted as pathogenic in ClinVar. Nonsense variants in CSF2RA are expected to be pathogenic. This variant is interpreted as likely pathogenic.

Literature cited by the submitters: PubMed 20622029 (cited by Labcorp Genetics (formerly Invitae), Labcorp); PubMed 25425184 (cited by Labcorp Genetics (formerly Invitae), Labcorp).

NM_172245.4(CSF2RA):c.787C>T (p.Gln263Ter)

Gene: CSF2RA (colony stimulating factor 2 receptor subunit alpha; plus strand). Cytogenetic location: Xp22.33.
Variant type: single nucleotide variant.
Coding change: c.787C>T on transcript NM_172245.4 (MANE Select); coding-DNA position 787, C replaced by T.
Protein change: p.Gln263Ter; replaces glutamine 263 with a stop codon.
Molecular consequence: nonsense. On other transcripts: synonymous variant (1), non-coding transcript variant (1), intron variant (2).
Genome position (GRCh38, 1-based): chrX:1,295,433, C>T. VCF-style: chrX-1295433-C-T. GRCh37 (hg19) VCF-style: chrX-1414326-C-T.
Other names: c.787C>T, p.Gln263Ter (NM_001161529.2, NM_001161530.2, NM_001161531.2 and 17 more transcripts); c.388C>T, p.Gln130Ter (NM_001161532.2); c.768C>T, p.Pro256= (NM_001379166.1); c.646+4924C>T (NM_172249.4); c.780+972C>T (NM_001379160.1); c.787C>T (NM_006140.4); short protein forms Q130*, Q263*.
Identifiers: ClinVar variation 1362907 (VCV001362907.6), dbSNP rs149151916, ClinGen allele CA10331010.